The following is an entry in ClinVar:

NM_001031689.3(PLAA):c.1087G>A (p.Glu363Lys)

Gene: PLAA (phospholipase A2 activating protein; minus strand). Cytogenetic location: 9p21.2.
Variant type: single nucleotide variant.
Coding change: c.1087G>A on transcript NM_001031689.3 (MANE Select); coding-DNA position 1087, G replaced by A.
Protein change: p.Glu363Lys; replaces glutamic acid 363 with lysine.
Molecular consequence: missense variant.
Genome position (GRCh38, 1-based): chr9:26,920,337, C>T on the plus strand (G>A on the coding strand, the complement: PLAA is on the minus strand). VCF-style: chr9-26920337-C-T. GRCh37 (hg19) VCF-style: chr9-26920335-C-T.
Other names: c.1087G>A, p.Glu363Lys (NM_001321546.2); short protein forms E363K.
Identifiers: ClinVar variation 1909726 (VCV001909726.2), dbSNP rs760173766, ClinGen allele CA191307917.

ClinVar aggregate classification (germline): Uncertain significance (1 of 4 stars; one submission).

Allele frequency attached by ClinVar (database versions not stated): gnomAD 0.00002; gnomAD exomes 0.00002; TOPMed 0.00002.
gnomAD v4.1: 28 of 1,613,294 alleles (0.0017%); highest among the groups gnomAD compares: Non-Finnish European, 0.0024%; no homozygotes.

Submission:

Labcorp Genetics (formerly Invitae), Labcorp
Classification: Uncertain significance. Last evaluated: 2022-05-30. Review status: criteria provided, single submitter. Criteria: Invitae Variant Classification Sherloc (09022015). Collection method: clinical testing. Allele origin: germline.
Comment: This sequence change replaces glutamic acid, which is acidic and polar, with lysine, which is basic and polar, at codon 363 of the PLAA protein (p.Glu363Lys). This variant is present in population databases (rs760173766, gnomAD 0.002%). This variant has not been reported in the literature in individuals affected with PLAA-related conditions. Algorithms developed to predict the effect of missense changes on protein structure and function (SIFT, PolyPhen-2, Align-GVGD) all suggest that this variant is likely to be tolerated. In summary, the available evidence is currently insufficient to determine the role of this variant in disease. Therefore, it has been classified as a Variant of Uncertain Significance.